The following is an entry in ClinVar:

NM_000059.4(BRCA2):c.563T>G (p.Val188Gly)

Gene: BRCA2 (BRCA2 DNA repair associated; plus strand). Cytogenetic location: 13q13.1.
Variant type: single nucleotide variant.
Coding change: c.563T>G on transcript NM_000059.4 (MANE Select); coding-DNA position 563, T replaced by G.
Protein change: p.Val188Gly; replaces valine 188 with glycine.
Molecular consequence: missense variant.
Genome position (GRCh38, 1-based): chr13:32,326,545, T>G. VCF-style: chr13-32326545-T-G. GRCh37 (hg19) VCF-style: chr13-32900682-T-G.
Other names: c.563T>G, p.Val188Gly (NM_001406719.1, NM_001406720.1, NM_001406721.1); c.194T>G, p.Val65Gly (NM_001406722.1); short protein forms V188G, V65G.
Identifiers: ClinVar variation 1748796 (VCV001748796.5), dbSNP rs1024574221, ClinGen allele CA247488970.

ClinVar aggregate classification (germline): Uncertain significance. Review status: criteria provided, multiple submitters, no conflicts (2 of 4 stars). 2 submissions from 2 submitters: Uncertain significance (2). Last evaluated 2024-01-10.

Conditions:
Hereditary breast ovarian cancer syndrome. Also called: Hereditary breast and ovarian cancer; BRCA1- and BRCA2-Associated Hereditary Breast and Ovarian Cancer; Hereditary breast and ovarian cancer syndrome (HBOC); Hereditary breast and ovarian cancer syndrome; Breast and ovarian cancer; Hereditary breast and/or ovarian cancer syndrome. Identifiers: Orphanet 145, MedGen C0677776, MeSH D061325, MONDO:0003582. Disease mechanism: loss of function.
Hereditary cancer-predisposing syndrome. Also called: Hereditary Cancer Syndrome; Hereditary neoplastic syndrome; Neoplastic Syndromes, Hereditary; Tumor predisposition. Identifiers: Orphanet 140162, MedGen C0027672, MeSH D009386, MONDO:0015356.

Allele frequency attached by ClinVar (database versions not stated): TOPMed 0.00001.

Submissions (2):

Labcorp Genetics (formerly Invitae), Labcorp
Classification: Uncertain significance for Hereditary breast ovarian cancer syndrome. Last evaluated: 2024-01-10. Review status: criteria provided, single submitter. Criteria: Invitae Variant Classification Sherloc (09022015). Collection method: clinical testing. Allele origin: germline.
Comment: This sequence change replaces valine, which is neutral and non-polar, with glycine, which is neutral and non-polar, at codon 188 of the BRCA2 protein (p.Val188Gly). This variant is not present in population databases (gnomAD no frequency). This variant has not been reported in the literature in individuals affected with BRCA2-related conditions. ClinVar contains an entry for this variant (Variation ID: 1748796). Advanced modeling of protein sequence and biophysical properties (such as structural, functional, and spatial information, amino acid conservation, physicochemical variation, residue mobility, and thermodynamic stability) performed at Invitae indicates that this missense variant is not expected to disrupt BRCA2 protein function with a negative predictive value of 95%. In summary, the available evidence is currently insufficient to determine the role of this variant in disease. Therefore, it has been classified as a Variant of Uncertain Significance.

Ambry Genetics
Classification: Uncertain significance for Hereditary cancer-predisposing syndrome. Last evaluated: 2021-11-06. Review status: criteria provided, single submitter. Criteria: Ambry Variant Classification Scheme 2023. Collection method: clinical testing. Allele origin: germline.
Comment: The p.V188G variant (also known as c.563T>G), located in coding exon 6 of the BRCA2 gene, results from a T to G substitution at nucleotide position 563. The valine at codon 188 is replaced by glycine, an amino acid with dissimilar properties. This amino acid position is conserved. In addition, this alteration is predicted to be tolerated by in silico analysis. Since supporting evidence is limited at this time, the clinical significance of this alteration remains unclear.